The following is an entry in ClinVar:

ClinVar aggregate classification (germline): Uncertain significance (1 of 4 stars; one submission).

Conditions:
Lethal multiple pterygium syndrome (LMPS). Identifiers: Orphanet 33108, MedGen C1854678, MONDO:0009668, OMIM 253290.

Submission:

Labcorp Genetics (formerly Invitae), Labcorp
Classification: Uncertain significance for Lethal multiple pterygium syndrome. Last evaluated: 2019-03-25. Review status: criteria provided, single submitter. Criteria: Invitae Variant Classification Sherloc (09022015). Collection method: clinical testing. Allele origin: germline.
Comment: In summary, the available evidence is currently insufficient to determine the role of this variant in disease. Therefore, it has been classified as a Variant of Uncertain Significance. Algorithms developed to predict the effect of missense changes on protein structure and function are either unavailable or do not agree on the potential impact of this missense change (SIFT: "Tolerated"; PolyPhen-2: "Possibly Damaging"; Align-GVGD: "Class C0"). This variant has not been reported in the literature in individuals with CHRND-related conditions. This variant is not present in population databases (ExAC no frequency). This sequence change replaces proline with arginine at codon 369 of the CHRND protein (p.Pro369Arg). The proline residue is moderately conserved and there is a moderate physicochemical difference between proline and arginine.

NM_000751.3(CHRND):c.1106C>G (p.Pro369Arg)

Gene: CHRND (cholinergic receptor nicotinic delta subunit; plus strand). Cytogenetic location: 2q37.1.
Variant type: single nucleotide variant.
Coding change: c.1106C>G on transcript NM_000751.3 (MANE Select); coding-DNA position 1106, C replaced by G.
Protein change: p.Pro369Arg; replaces proline 369 with arginine.
Molecular consequence: missense variant.
Genome position (GRCh38, 1-based): chr2:232,533,989, C>G. VCF-style: chr2-232533989-C-G. GRCh37 (hg19) VCF-style: chr2-233398699-C-G.
Other names: c.1061C>G, p.Pro354Arg (NM_001256657.2); c.524C>G, p.Pro175Arg (NM_001311195.2); c.803C>G, p.Pro268Arg (NM_001311196.2); short protein forms P175R, P268R, P354R, P369R.
Identifiers: ClinVar variation 847481 (VCV000847481.9), dbSNP rs1691800096, ClinGen allele CA351005042.